The following is an entry in ClinVar:

NM_003072.5(SMARCA4):c.4841G>A (p.Arg1614Gln)

Gene: SMARCA4 (SWI/SNF related BAF chromatin remodeling complex subunit ATPase 4; plus strand). Cytogenetic location: 19p13.2.
Variant type: single nucleotide variant.
Coding change: c.4841G>A on transcript NM_003072.5 (MANE Select); coding-DNA position 4841, G replaced by A.
Protein change: p.Arg1614Gln; replaces arginine 1614 with glutamine.
Molecular consequence: missense variant. On other transcripts: non-coding transcript variant (1).
Genome position (GRCh38, 1-based): chr19:11,060,117, G>A. VCF-style: chr19-11060117-G-A. GRCh37 (hg19) VCF-style: chr19-11170793-G-A.
Other names: c.4841G>A, p.Arg1614Gln (NM_001128844.3); c.4751G>A, p.Arg1584Gln (NM_001128845.2); c.4748G>A, p.Arg1583Gln (NM_001128846.2); c.4742G>A, p.Arg1581Gln (NM_001128847.4, NM_001374457.1); c.4739G>A, p.Arg1580Gln (NM_001128848.2); c.4937G>A, p.Arg1646Gln (NM_001128849.3, NM_001387283.1); short protein forms R1646Q, R1583Q, R1584Q, R1614Q, R1580Q, R1581Q.
Identifiers: ClinVar variation 238494 (VCV000238494.15), dbSNP rs878854233, ClinGen allele CA10583764.

ClinVar aggregate classification (germline): Conflicting classifications of pathogenicity. Review status: criteria provided, conflicting classifications (1 of 4 stars). 5 submissions from 5 submitters: Uncertain significance (4); Likely benign (1). Last evaluated 2024-11-15.

Conditions:
Hereditary cancer-predisposing syndrome. Also called: Neoplastic Syndromes, Hereditary; Hereditary Cancer Syndrome; Tumor predisposition; Hereditary neoplastic syndrome. Identifiers: Orphanet 140162, MedGen C0027672, MeSH D009386, MONDO:0015356.
Rhabdoid tumor predisposition syndrome 2 (RTPS2). Identifiers: Orphanet 231108, Orphanet 69077, MedGen C2750074, MONDO:0013224, OMIM 613325.

Allele frequency attached by ClinVar (database versions not stated): gnomAD exomes 0.00001.
gnomAD v4.1: 7 of 1,551,084 alleles (0.00045%); highest among the groups gnomAD compares: South Asian, 0.0024%; no homozygotes.

Submissions (5):

Labcorp Genetics (formerly Invitae), Labcorp
Classification: Uncertain significance for Rhabdoid tumor predisposition syndrome 2. Last evaluated: 2024-11-15. Review status: criteria provided, single submitter. Criteria: Invitae Variant Classification Sherloc (09022015). Collection method: clinical testing. Allele origin: germline.
Comment: This sequence change replaces arginine, which is basic and polar, with glutamine, which is neutral and polar, at codon 1646 of the SMARCA4 protein (p.Arg1646Gln). This variant is not present in population databases (gnomAD no frequency). This variant has not been reported in the literature in individuals affected with SMARCA4-related conditions. ClinVar contains an entry for this variant (Variation ID: 238494). Invitae Evidence Modeling of protein sequence and biophysical properties (such as structural, functional, and spatial information, amino acid conservation, physicochemical variation, residue mobility, and thermodynamic stability) indicates that this missense variant is not expected to disrupt SMARCA4 protein function with a negative predictive value of 80%. In summary, the available evidence is currently insufficient to determine the role of this variant in disease. Therefore, it has been classified as a Variant of Uncertain Significance.

Baylor Genetics
Classification: Uncertain significance for Rhabdoid tumor predisposition syndrome 2. Last evaluated: 2023-05-04. Review status: criteria provided, single submitter. Criteria: ACMG Guidelines, 2015. Collection method: clinical testing. Allele origin: unknown.

GeneDx
Classification: Uncertain significance. Last evaluated: 2023-04-17. Review status: criteria provided, single submitter. Criteria: GeneDx Variant Classification Process June 2021. Collection method: clinical testing. Allele origin: germline. Affected: yes.
Comment: Not observed at significant frequency in large population cohorts (gnomAD); In silico analysis supports that this missense variant does not alter protein structure/function; Has not been previously published as pathogenic or benign to our knowledge

Ambry Genetics
Classification: Likely benign for Hereditary cancer-predisposing syndrome. Last evaluated: 2023-03-15. Review status: criteria provided, single submitter. Criteria: Ambry Variant Classification Scheme 2023. Collection method: clinical testing. Allele origin: germline.

Blueprint Genetics
Classification: Uncertain significance. Last evaluated: 2020-08-14. Review status: criteria provided, single submitter. Criteria: ACMG Guidelines, 2015. Collection method: clinical testing. Allele origin: germline.